The following is an entry in ClinVar:

NM_002691.4(POLD1):c.3101C>A (p.Ser1034Tyr)

Gene: POLD1 (DNA polymerase delta 1, catalytic subunit; plus strand). Cytogenetic location: 19q13.33.
Variant type: single nucleotide variant.
Coding change: c.3101C>A on transcript NM_002691.4 (MANE Select); coding-DNA position 3101, C replaced by A.
Protein change: p.Ser1034Tyr; replaces serine 1034 with tyrosine.
Molecular consequence: missense variant. On other transcripts: non-coding transcript variant (1).
Genome position (GRCh38, 1-based): chr19:50,417,078, C>A. VCF-style: chr19-50417078-C-A. GRCh37 (hg19) VCF-style: chr19-50920335-C-A.
Other names: c.3101C>A, p.Ser1034Tyr (NM_001256849.1); c.3179C>A, p.Ser1060Tyr (NM_001308632.1); short protein forms S1034Y, S1060Y.
Identifiers: ClinVar variation 3308277 (VCV003308277.1).

ClinVar aggregate classification (germline): Uncertain significance (1 of 4 stars; one submission).

Conditions:
Hereditary cancer-predisposing syndrome. Also called: Tumor predisposition; Hereditary Cancer Syndrome; Hereditary neoplastic syndrome; Neoplastic Syndromes, Hereditary. Identifiers: Orphanet 140162, MedGen C0027672, MeSH D009386, MONDO:0015356.

Submission:

Ambry Genetics
Classification: Uncertain significance for Hereditary cancer-predisposing syndrome. Last evaluated: 2024-03-18. Review status: criteria provided, single submitter. Criteria: Ambry Variant Classification Scheme 2023. Collection method: clinical testing. Allele origin: germline.
Comment: The p.S1034Y variant (also known as c.3101C>A), located in coding exon 24 of the POLD1 gene, results from a C to A substitution at nucleotide position 3101. The serine at codon 1034 is replaced by tyrosine, an amino acid with dissimilar properties. This amino acid position is conserved. In addition, this alteration is predicted to be tolerated by in silico analysis. Based on the available evidence, the clinical significance of this alteration remains unclear.